The following is an entry in ClinVar:

NM_014491.4(FOXP2):c.11A>G (p.Glu4Gly)

Gene: FOXP2 (forkhead box P2; plus strand). Cytogenetic location: 7q31.1.
Variant type: single nucleotide variant.
Coding change: c.11A>G on transcript NM_014491.4 (MANE Select); coding-DNA position 11, A replaced by G.
Protein change: p.Glu4Gly; replaces glutamic acid 4 with glycine.
Molecular consequence: missense variant. On other transcripts: non-coding transcript variant (2).
Genome position (GRCh38, 1-based): chr7:114,426,522, A>G. VCF-style: chr7-114426522-A-G. GRCh37 (hg19) VCF-style: chr7-114066577-A-G.
Other names: c.11A>G, p.Glu4Gly (NM_001172766.3, NM_001172767.2, NM_148898.4 and 2 more transcripts); short protein forms E4G.
Identifiers: ClinVar variation 1031832 (VCV001031832.1), dbSNP rs1793857952, ClinGen allele CA369105505.

ClinVar aggregate classification (germline): Uncertain significance (1 of 4 stars; one submission).

Conditions:
Childhood apraxia of speech (SPCH1). Also called: SPEECH AND LANGUAGE DISORDER WITH OROFACIAL DYSPRAXIA; DEVELOPMENTAL VERBAL DYSPRAXIA; FOXP2-Related Speech and Language Disorder; Speech language disorder. Identifiers: Orphanet 209908, MedGen C0750927, MONDO:0011184, OMIM 602081.

Submission:

Baylor Genetics
Classification: Uncertain significance for Childhood apraxia of speech. Last evaluated: 2018-09-27. Review status: criteria provided, single submitter. Criteria: ACMG Guidelines, 2015. Collection method: clinical testing. Allele origin: maternal. Affected: yes.
Comment: This variant was determined to be of uncertain significance according to ACMG Guidelines, 2015 [PMID:25741868].